The following continues an entry in ClinVar:

NM_000059.4(BRCA2):c.5828del (p.Ser1943fs)

Gene: BRCA2. ClinVar aggregate classification (germline): Pathogenic. Pathogenic (1).

Submissions 10 to 17 of 17:

Women's Health and Genetics/Laboratory Corporation of America, LabCorp
Classification: Pathogenic for Hereditary breast ovarian cancer syndrome. Last evaluated: 2022-06-27. Review status: criteria provided, single submitter. Criteria: LabCorp Variant Classification Summary - May 2015. Collection method: clinical testing. Allele origin: germline. Not counted in ClinVar's aggregate classification.
Comment: Variant summary: BRCA2 c.5828delC (p.Ser1943LeufsX20) results in a premature termination codon, predicted to cause a truncation of the encoded protein or absence of the protein due to nonsense mediated decay, which are commonly known mechanisms for disease. Truncations downstream of this position have been classified as pathogenic by our laboratory. The variant allele was found at a frequency of 7.9e-06 in 252170 control chromosomes (gnomAD and Malone_2006). c.5828delC has been reported in the literature in multiple individuals affected with breast, ovarian, and other cancers, many of whom also have a family history of cancer (e.g. Palma_2008, Finkelman_2012, Malone_2006, Wang_2014, Susswein_2015, Carter_2018, Rebbeck_2018, Singhal_2021, BIC database). These data indicate that the variant is very likely to be associated with disease. To our knowledge, no experimental evidence demonstrating an impact on protein function has been reported. Nine assessments for this variant have been submitted to ClinVar after 2014 and all classified the variant as pathogenic. Based on the evidence outlined above, the variant was classified as pathogenic.

Fulgent Genetics
Classification: Pathogenic for Familial cancer of breast; Medulloblastoma; Familial prostate cancer; Wilms tumor 1; Fanconi anemia complementation group D1; Breast-ovarian cancer, familial, susceptibility to, 2; Glioma susceptibility 3; Pancreatic cancer, susceptibility to, 2. Last evaluated: 2021-11-24. Review status: criteria provided, single submitter. Criteria: ACMG Guidelines, 2015. Collection method: clinical testing. Allele origin: unknown. Not counted in ClinVar's aggregate classification.

Institute for Biomarker Research, Medical Diagnostic Laboratories, L.L.C.
Classification: Pathogenic for Hereditary cancer-predisposing syndrome. Last evaluated: 2017-07-12. Review status: criteria provided, single submitter. Criteria: ACMG Guidelines, 2015. Collection method: clinical testing. Allele origin: germline. Not counted in ClinVar's aggregate classification.

Consortium of Investigators of Modifiers of BRCA1/2 (CIMBA), c/o University of Cambridge
Classification: Pathogenic for Breast-ovarian cancer, familial, susceptibility to, 2. Last evaluated: 2015-10-02. Review status: criteria provided, single submitter. Criteria: CIMBA Mutation Classification guidelines May 2016. Collection method: clinical testing. Allele origin: germline. Not counted in ClinVar's aggregate classification.

Genetic Services Laboratory, University of Chicago
Classification: Pathogenic for Breast-ovarian cancer, familial, 2. Last evaluated: 2015-01-23. Review status: criteria provided, single submitter. Criteria: ACMG Guidelines, 2015. Collection method: clinical testing. Allele origin: germline. Affected: yes. Not counted in ClinVar's aggregate classification.

Research Molecular Genetics Laboratory, Women's College Hospital, University of Toronto
Classification: Pathogenic for Hereditary breast ovarian cancer syndrome. Last evaluated: 2014-01-31. Review status: no assertion criteria provided. Collection method: research. Allele origin: germline. Affected: yes. Study: The Canadian Open Genetics Repository (COGR). Not counted in ClinVar's aggregate classification.

Sharing Clinical Reports Project (SCRP)
Classification: Pathogenic for Breast-ovarian cancer, familial 2. Last evaluated: 2012-07-17. Review status: no assertion criteria provided. Collection method: clinical testing. Allele origin: germline. Not counted in ClinVar's aggregate classification.

Breast Cancer Information Core (BIC) (BRCA2)
Classification: Pathogenic for Breast-ovarian cancer, familial 2. Last evaluated: 2002-05-29. Review status: no assertion criteria provided. Collection method: clinical testing. Allele origin: germline. Affected: yes. Observed: 12 variant alleles. Not counted in ClinVar's aggregate classification.

Literature cited by the submitters: PubMed 20104584 (cited by Labcorp Genetics (formerly Invitae), Labcorp); PubMed 18703817 (cited by 5 submitters); PubMed 22430266 (cited by 3 submitters); PubMed 26681312 (cited by 5 submitters); PubMed 16912212 (cited by 3 submitters); PubMed 29446198 (cited by 3 submitters); PubMed 30322717 (cited by 4 submitters); PubMed 31853058 (cited by Color Diagnostics, LLC DBA Color Health); PubMed 33850299 (cited by Quest Diagnostics Nichols Institute San Juan Capistrano and Women's Health and Genetics/Laboratory Corporation of America, LabCorp); PubMed 25256924 (cited by Quest Diagnostics Nichols Institute San Juan Capistrano and Women's Health and Genetics/Laboratory Corporation of America, LabCorp); PubMed 30720243 (cited by Quest Diagnostics Nichols Institute San Juan Capistrano); PubMed 26295337 (cited by Quest Diagnostics Nichols Institute San Juan Capistrano).